The following is an entry in ClinVar:

ClinVar aggregate classification (germline): Conflicting classifications of pathogenicity. Review status: criteria provided, conflicting classifications (1 of 4 stars). 13 submissions from 13 submitters: Uncertain significance (3); Likely benign (7). 3 of the submissions do not count toward it. Last evaluated 2026-04-15.

Conditions:
Cardiomyopathy, dilated, 2E. Identifiers: MedGen C5561970, MONDO:0030366, OMIM 619492.
Hypertrophic cardiomyopathy 17. Identifiers: MedGen C3151264, MONDO:0013474, OMIM 613873.
JPH2-related disorder. Also called: JPH2-related condition.
Cardiovascular phenotype. Identifiers: MedGen CN230736.
Hypertrophic cardiomyopathy. Also called: HYPERTROPHIC MYOCARDIOPATHY. Identifiers: Orphanet 217569, MedGen C0007194, MeSH D002312, MONDO:0005045, HP:0001639.

Allele frequency attached by ClinVar (database versions not stated): gnomAD 0.00017 and 0.00018; gnomAD exomes 0.00020 and 0.00030; TOPMed 0.00020; ExAC 0.00023; ESP Exome Variant Server 0.00023.
gnomAD v4.1: 454 of 1,601,414 alleles (0.028%); highest among the groups gnomAD compares: Non-Finnish European, 0.037%; no homozygotes.

Submissions (13):

PreventionGenetics, part of Exact Sciences
Classification: Uncertain significance for JPH2-related condition. Last evaluated: 2026-04-15. Review status: criteria provided, single submitter. Criteria: ACMG Guidelines, 2015. Collection method: clinical testing. Allele origin: germline.
Comment: The JPH2 c.1852A>G variant is predicted to result in the amino acid substitution p.Thr618Ala. To our knowledge, this variant has not been reported in the literature. This variant is reported in 0.041% of alleles in individuals of European (Non-Finnish) descent in gnomAD. At this time, the clinical significance of this variant is uncertain due to the absence of conclusive functional and genetic evidence.

Labcorp Genetics (formerly Invitae), Labcorp
Classification: Uncertain significance for Hypertrophic cardiomyopathy. Last evaluated: 2025-12-28. Review status: criteria provided, single submitter. Criteria: Invitae Variant Classification Sherloc (09022015). Collection method: clinical testing. Allele origin: germline.
Comment: This sequence change replaces threonine, which is neutral and polar, with alanine, which is neutral and non-polar, at codon 618 of the JPH2 protein (p.Thr618Ala). This variant is present in population databases (rs376612687, gnomAD 0.04%), and has an allele count higher than expected for a pathogenic variant. This variant has not been reported in the literature in individuals affected with JPH2-related conditions. ClinVar contains an entry for this variant (Variation ID: 432626). An algorithm developed to predict the effect of missense changes on protein structure and function (PolyPhen-2) suggests that this variant is likely to be tolerated. In summary, the available evidence is currently insufficient to determine the role of this variant in disease. Therefore, it has been classified as a Variant of Uncertain Significance.

Molecular Diagnostic Laboratory for Inherited Cardiovascular Disease, Montreal Heart Institute
Classification: Likely benign. Last evaluated: 2025-04-09. Review status: criteria provided, single submitter. Criteria: ACMG Guidelines, 2015. Collection method: clinical testing. Allele origin: germline. Affected: no.
Comment: BP4, BP5, BP6

Blueprint Genetics
Classification: Likely benign. Last evaluated: 2024-11-11. Review status: criteria provided, single submitter. Criteria: ACMG Guidelines, 2015. Collection method: clinical testing. Allele origin: germline.

Women's Health and Genetics/Laboratory Corporation of America, LabCorp
Classification: Likely benign. Last evaluated: 2024-10-27. Review status: criteria provided, single submitter. Criteria: LabCorp Variant Classification Summary - May 2015. Collection method: clinical testing. Allele origin: germline.

CeGaT Center for Human Genetics Tuebingen
Classification: Likely benign. Last evaluated: 2024-09-01. Review status: criteria provided, single submitter. Criteria: CeGaT Center For Human Genetics Tuebingen Variant Classification Criteria Version 2. Collection method: clinical testing. Allele origin: germline. Affected: yes. Observed: 1 variant allele.
Comment: JPH2: BS2

Ambry Genetics
Classification: Likely benign for Cardiovascular phenotype. Last evaluated: 2024-04-28. Review status: criteria provided, single submitter. Criteria: Ambry Variant Classification Scheme 2023. Collection method: clinical testing. Allele origin: germline.

Department of Pathology and Laboratory Medicine, Sinai Health System
Classification: Uncertain significance for Hypertrophic cardiomyopathy 17; Cardiomyopathy, dilated, 2E. Last evaluated: 2021-12-15. Review status: criteria provided, single submitter. Criteria: ACMG Guidelines, 2015. Collection method: research. Allele origin: germline.

GeneDx
Classification: Likely benign. Last evaluated: 2021-03-23. Review status: criteria provided, single submitter. Criteria: GeneDx Variant Classification Process June 2021. Collection method: clinical testing. Allele origin: germline. Affected: yes.
Comment: Has not been previously reported as pathogenic or benign to our knowledge; Reported in ClinVar (ClinVar Variant ID# 432626; Landrum et al., 2016); In silico analysis, which includes protein predictors and evolutionary conservation, supports that this variant does not alter protein structure/function

Laboratory for Molecular Medicine, Mass General Brigham Personalized Medicine
Classification: Likely benign. Last evaluated: 2018-06-06. Review status: criteria provided, single submitter. Criteria: LMM Criteria. Collection method: clinical testing. Allele origin: germline. Observed: 1 variant allele.
Comment: p.Thr618Ala in exon 4 of JPH2: This variant is not expected to have clinical si gnificance because it has been identified in 0.04% (51/117444) of European chrom osomes by the Genome Aggregation Database (gnomAD. org; dbSNP rs376612687) and computational prediction tools and conservation anal ysis suggest that the p.Thr618Ala variant may not impact the protein. ACMG/AMP C riteria applied: BS1; BP4.

Clinical Genetics DNA and cytogenetics Diagnostics Lab, Erasmus MC, Erasmus Medical Center
Classification: Likely benign. Review status: no assertion criteria provided. Collection method: clinical testing. Allele origin: germline. Affected: yes. Study: VKGL Data-share Consensus. Not counted in ClinVar's aggregate classification.

Clinical Genetics, Academic Medical Center
Classification: Likely benign. Review status: no assertion criteria provided. Collection method: clinical testing. Allele origin: germline. Affected: yes. Study: VKGL Data-share Consensus. Not counted in ClinVar's aggregate classification.

Joint Genome Diagnostic Labs from Nijmegen and Maastricht, Radboudumc and MUMC+
Classification: Likely benign. Review status: no assertion criteria provided. Collection method: clinical testing. Allele origin: germline. Affected: yes. Study: VKGL Data-share Consensus. Not counted in ClinVar's aggregate classification.

NM_020433.5(JPH2):c.1852A>G (p.Thr618Ala)

Gene: JPH2 (junctophilin 2; minus strand). Cytogenetic location: 20q13.12.
Variant type: single nucleotide variant.
Coding change: c.1852A>G on transcript NM_020433.5 (MANE Select); coding-DNA position 1852, A replaced by G.
Protein change: p.Thr618Ala; replaces threonine 618 with alanine.
Molecular consequence: missense variant.
Genome position (GRCh38, 1-based): chr20:44,115,823, T>C on the plus strand (A>G on the coding strand, the complement: JPH2 is on the minus strand). VCF-style: chr20-44115823-T-C. GRCh37 (hg19) VCF-style: chr20-42744463-T-C.
Other names: short protein forms T618A.
Identifiers: ClinVar variation 432626 (VCV000432626.42), dbSNP rs376612687, ClinGen allele CA9868585.